The following is an entry in ClinVar:

NM_001004334.4(GPR179):c.1622G>T (p.Arg541Leu)

Gene: GPR179 (G protein-coupled receptor 179; minus strand). Cytogenetic location: 17q12.
Variant type: single nucleotide variant.
Coding change: c.1622G>T on transcript NM_001004334.4 (MANE Select); coding-DNA position 1622, G replaced by T.
Protein change: p.Arg541Leu; replaces arginine 541 with leucine.
Molecular consequence: missense variant.
Genome position (GRCh38, 1-based): chr17:38,335,056, C>A on the plus strand (G>T on the coding strand, the complement: GPR179 is on the minus strand). VCF-style: chr17-38335056-C-A. GRCh37 (hg19) VCF-style: chr17-36490939-C-A.
Other names: short protein forms R541L.
Identifiers: ClinVar variation 1384080 (VCV001384080.8), dbSNP rs372112783, ClinGen allele CA290108613.

ClinVar aggregate classification (germline): Uncertain significance (1 of 4 stars; one submission).

gnomAD v4.1: 12 of 1,613,206 alleles (0.00074%); highest among the groups gnomAD compares: Non-Finnish European, 0.001%; no homozygotes.

Submission:

Labcorp Genetics (formerly Invitae), Labcorp
Classification: Uncertain significance. Last evaluated: 2022-10-05. Review status: criteria provided, single submitter. Criteria: Invitae Variant Classification Sherloc (09022015). Collection method: clinical testing. Allele origin: germline.
Comment: Algorithms developed to predict the effect of missense changes on protein structure and function output the following: SIFT: "Tolerated"; PolyPhen-2: "Benign"; Align-GVGD: "Class C0". The leucine amino acid residue is found in multiple mammalian species, which suggests that this missense change does not adversely affect protein function. This sequence change replaces arginine, which is basic and polar, with leucine, which is neutral and non-polar, at codon 541 of the GPR179 protein (p.Arg541Leu). This variant is not present in population databases (gnomAD no frequency). This variant has not been reported in the literature in individuals affected with GPR179-related conditions. ClinVar contains an entry for this variant (Variation ID: 1384080). In summary, the available evidence is currently insufficient to determine the role of this variant in disease. Therefore, it has been classified as a Variant of Uncertain Significance.